The following is an entry in ClinVar:

NM_022489.4(INF2):c.2768C>T (p.Ala923Val)

Gene: INF2 (inverted formin 2; plus strand). Cytogenetic location: 14q32.33.
Variant type: single nucleotide variant.
Coding change: c.2768C>T on transcript NM_022489.4 (MANE Select); coding-DNA position 2768, C replaced by T.
Protein change: p.Ala923Val; replaces alanine 923 with valine.
Molecular consequence: missense variant.
Genome position (GRCh38, 1-based): chr14:104,712,985, C>T. VCF-style: chr14-104712985-C-T. GRCh37 (hg19) VCF-style: chr14-105179322-C-T.
Other names: c.2768C>T, p.Ala923Val (NM_001031714.4, NM_001426862.1, NM_001426863.1 and 2 more transcripts); short protein forms A923V.
Identifiers: ClinVar variation 2939511 (VCV002939511.3), dbSNP rs1372251508, ClinGen allele CA391222581.

ClinVar aggregate classification (germline): Uncertain significance (1 of 4 stars; one submission).

Conditions:
Charcot-Marie-Tooth disease dominant intermediate E. Also called: CHARCOT-MARIE-TOOTH NEUROPATHY WITH FOCAL SEGMENTAL GLOMERULONEPHRITIS. Identifiers: Orphanet 93114, MedGen C4302667, MONDO:0013758, OMIM 614455.
Focal segmental glomerulosclerosis 5 (FSGS5). Identifiers: Orphanet 656, MedGen C2750475, MONDO:0013191, OMIM 613237.

Allele frequency attached by ClinVar (database versions not stated): gnomAD exomes below 0.00001; TOPMed below 0.00001.

Submission:

Labcorp Genetics (formerly Invitae), Labcorp
Classification: Uncertain significance for Charcot-Marie-Tooth disease dominant intermediate E; Focal segmental glomerulosclerosis 5. Last evaluated: 2024-01-15. Review status: criteria provided, single submitter. Criteria: Invitae Variant Classification Sherloc (09022015). Collection method: clinical testing. Allele origin: germline.
Comment: This sequence change replaces alanine, which is neutral and non-polar, with valine, which is neutral and non-polar, at codon 923 of the INF2 protein (p.Ala923Val). This variant is not present in population databases (gnomAD no frequency). This variant has not been reported in the literature in individuals affected with INF2-related conditions. Advanced modeling of protein sequence and biophysical properties (such as structural, functional, and spatial information, amino acid conservation, physicochemical variation, residue mobility, and thermodynamic stability) performed at Invitae indicates that this missense variant is not expected to disrupt INF2 protein function with a negative predictive value of 95%. In summary, the available evidence is currently insufficient to determine the role of this variant in disease. Therefore, it has been classified as a Variant of Uncertain Significance.